The following is an entry in ClinVar:

NM_000903.3(NQO1):c.164A>T (p.Asp55Val)

Gene: NQO1 (NAD(P)H quinone dehydrogenase 1; minus strand). Cytogenetic location: 16q22.1.
Variant type: single nucleotide variant.
Coding change: c.164A>T on transcript NM_000903.3 (MANE Select); coding-DNA position 164, A replaced by T.
Protein change: p.Asp55Val; replaces aspartic acid 55 with valine.
Molecular consequence: missense variant.
Genome position (GRCh38, 1-based): chr16:69,718,378, T>A on the plus strand (A>T on the coding strand, the complement: NQO1 is on the minus strand). VCF-style: chr16-69718378-T-A. GRCh37 (hg19) VCF-style: chr16-69752281-T-A.
Other names: c.164A>T, p.Asp55Val (NM_001025433.2, NM_001025434.2, NM_001286137.2); short protein forms D55V.
Identifiers: ClinVar variation 3232304 (VCV003232304.1), dbSNP rs2038143902, ClinGen allele CA396491257.

ClinVar aggregate classification (germline): Uncertain significance (1 of 4 stars; one submission).

Allele frequency attached by ClinVar (database versions not stated): gnomAD 0.00001; TOPMed 0.00001.

Submission:

Ambry Genetics
Classification: Uncertain significance. Last evaluated: 2024-01-27. Review status: criteria provided, single submitter. Criteria: Ambry Variant Classification Scheme 2023. Collection method: clinical testing. Allele origin: germline.
Comment: The p.D55V variant (also known as c.164A>T), located in coding exon 2 of the NQO1 gene, results from an A to T substitution at nucleotide position 164. The aspartic acid at codon 55 is replaced by valine, an amino acid with highly dissimilar properties. This amino acid position is conserved. In addition, the in silico prediction for this alteration is inconclusive. Based on the available evidence, the clinical significance of this alteration remains unclear.